The following is an entry in ClinVar:

ClinVar aggregate classification (germline): Pathogenic (1 of 4 stars; one submission).

Conditions:
Joubert syndrome. Also called: Familial aplasia of the vermis; CEREBELLOPARENCHYMAL DISORDER IV; JOUBERT-BOLTSHAUSER SYNDROME. Identifiers: Orphanet 475, MedGen C5979921, MONDO:0018772.
Meckel-Gruber syndrome. Also called: Dysencephalia splachnocystica; DYSENCEPHALIA SPLANCHNOCYSTICA; GRUBER SYNDROME. Identifiers: Orphanet 564, MedGen C0265215, MONDO:0018921.

Submission:

Labcorp Genetics (formerly Invitae), Labcorp
Classification: Pathogenic for Joubert syndrome; Meckel-Gruber syndrome. Last evaluated: 2020-03-08. Review status: criteria provided, single submitter. Criteria: Invitae Variant Classification Sherloc (09022015). Collection method: clinical testing. Allele origin: germline.
Comment: For these reasons, this variant has been classified as Pathogenic. Loss-of-function variants in MKS1 are known to be pathogenic (PMID: 19466712, 24886560, 26490104). This variant has been observed in individual(s) with Bardet‚ÄìBiedl syndrome (PMID: 22353939, 29620724). This variant is a gross deletion of the genomic region encompassing exon 1 of the MKS1 gene, which includes the initiator codon. The 5' end of this event is unknown as it extends beyond the assayed region for this gene and therefore may encompass additional genes. The 3' boundary is likely confined to intron 1 of the MKS1 gene. This is expected to result in an absent or disrupted protein product.

Literature cited by the submitters: PubMed 19466712; PubMed 24886560; PubMed 26490104; PubMed 22353939; PubMed 29620724.

NC_000017.10:g.(?_56296502)_(56296882_?)del

Gene: MKS1 (MKS transition zone complex subunit 1; minus strand). Cytogenetic location: 17q22.
Variant type: Deletion.
Identifiers: ClinVar variation 1076625 (VCV001076625.3).